The following is an entry in ClinVar:

ClinVar aggregate classification (germline): Likely benign (1 of 4 stars; one submission).

gnomAD v4.1: 2,021 of 1,533,808 alleles (0.13%); highest among the groups gnomAD compares: South Asian, 0.39%; 2 homozygotes.

Submission:

CeGaT Center for Human Genetics Tuebingen
Classification: Likely benign. Last evaluated: 2024-09-01. Review status: criteria provided, single submitter. Criteria: CeGaT Center For Human Genetics Tuebingen Variant Classification Criteria Version 2. Collection method: clinical testing. Allele origin: germline. Affected: yes. Observed: 1 variant allele.
Comment: USP34: BP4

NM_014709.4(USP34):c.132-3T>C

Gene: USP34 (ubiquitin specific peptidase 34; minus strand). Cytogenetic location: 2p15.
Variant type: single nucleotide variant.
Coding change: c.132-3T>C on transcript NM_014709.4 (MANE Select); 3 bases into the intron before coding-DNA position 132, T replaced by C.
Molecular consequence: intron variant.
Genome position (GRCh38, 1-based): chr2:61,406,131, A>G on the plus strand (T>C on the coding strand, the complement: USP34 is on the minus strand). VCF-style: chr2-61406131-A-G. GRCh37 (hg19) VCF-style: chr2-61633266-A-G.
Identifiers: ClinVar variation 3388030 (VCV003388030.14).